The following is an entry in ClinVar:

NM_015040.4(PIKFYVE):c.4254A>C (p.Gln1418His)

Gene: PIKFYVE (phosphoinositide kinase, FYVE-type zinc finger containing; plus strand). Cytogenetic location: 2q34.
Variant type: single nucleotide variant.
Coding change: c.4254A>C on transcript NM_015040.4 (MANE Select); coding-DNA position 4254, A replaced by C.
Protein change: p.Gln1418His; replaces glutamine 1418 with histidine.
Molecular consequence: missense variant.
Genome position (GRCh38, 1-based): chr2:208,335,417, A>C. VCF-style: chr2-208335417-A-C. GRCh37 (hg19) VCF-style: chr2-209200141-A-C.
Other names: short protein forms Q1418H.
Identifiers: ClinVar variation 3611330 (VCV003611330.2).

ClinVar aggregate classification (germline): Uncertain significance (1 of 4 stars; one submission).

gnomAD v4.1: 3 of 1,567,928 alleles (0.00019%); highest among the groups gnomAD compares: Non-Finnish European, 0.00026%; no homozygotes.

Submission:

Labcorp Genetics (formerly Invitae), Labcorp
Classification: Uncertain significance. Last evaluated: 2024-06-03. Review status: criteria provided, single submitter. Criteria: Invitae Variant Classification Sherloc (09022015). Collection method: clinical testing. Allele origin: germline.
Comment: This sequence change replaces glutamine, which is neutral and polar, with histidine, which is basic and polar, at codon 1418 of the PIKFYVE protein (p.Gln1418His). This variant is not present in population databases (gnomAD no frequency). This variant has not been reported in the literature in individuals affected with PIKFYVE-related conditions. An algorithm developed to predict the effect of missense changes on protein structure and function (PolyPhen-2) suggests that this variant is likely to be tolerated. In summary, the available evidence is currently insufficient to determine the role of this variant in disease. Therefore, it has been classified as a Variant of Uncertain Significance.